The following is an entry in ClinVar:

NM_015509.4(NECAP1):c.195A>G (p.Ser65=)

Gene: NECAP1 (NECAP endocytosis associated 1; plus strand). Cytogenetic location: 12p13.31.
Variant type: single nucleotide variant.
Coding change: c.195A>G on transcript NM_015509.4 (MANE Select); coding-DNA position 195, A replaced by G.
Protein change: p.Ser65=; no amino-acid change (serine 65 retained).
Molecular consequence: synonymous variant. On other transcripts: non-coding transcript variant (1).
Genome position (GRCh38, 1-based): chr12:8,090,035, A>G. VCF-style: chr12-8090035-A-G. GRCh37 (hg19) VCF-style: chr12-8242631-A-G.
Identifiers: ClinVar variation 1439007 (VCV001439007.7), dbSNP rs770774824, ClinGen allele CA6432181.

ClinVar aggregate classification (germline): Uncertain significance (1 of 4 stars; one submission).

Conditions:
Developmental and epileptic encephalopathy, 21 (DEE21). Also called: Early infantile epileptic encephalopathy 21. Identifiers: Orphanet 442835, MedGen C4014430, MONDO:0014360, OMIM 615833.

Allele frequency attached by ClinVar (database versions not stated): gnomAD 0.00001; gnomAD exomes 0.00001 and 0.00002; ExAC 0.00002; TOPMed 0.00003.

Submission:

Labcorp Genetics (formerly Invitae), Labcorp
Classification: Uncertain significance for Developmental and epileptic encephalopathy, 21. Last evaluated: 2021-01-16. Review status: criteria provided, single submitter. Criteria: Invitae Variant Classification Sherloc (09022015). Collection method: clinical testing. Allele origin: germline.
Comment: In summary, the available evidence is currently insufficient to determine the role of this variant in disease. Therefore, it has been classified as a Variant of Uncertain Significance. Algorithms developed to predict the effect of sequence changes on RNA splicing suggest that this variant may disrupt the consensus splice site, but this prediction has not been confirmed by published transcriptional studies. This variant has not been reported in the literature in individuals with NECAP1-related conditions. This variant is present in population databases (rs770774824, ExAC 0.01%). This sequence change affects codon 65 of the NECAP1 mRNA. It is a 'silent' change, meaning that it does not change the encoded amino acid sequence of the NECAP1 protein.